The following is an entry in ClinVar:

ClinVar aggregate classification (germline): Uncertain significance. Review status: criteria provided, multiple submitters, no conflicts (2 of 4 stars). 2 submissions from 2 submitters: Uncertain significance (2). Last evaluated 2022-11-22.

Conditions:
Inborn genetic diseases. Identifiers: MedGen C0950123, MeSH D030342.

Allele frequency attached by ClinVar (database versions not stated): gnomAD 0.00001; gnomAD exomes 0.00001; TOPMed 0.00002.
gnomAD v4.1: 8 of 1,613,398 alleles (0.0005%); highest among the groups gnomAD compares: Non-Finnish European, 0.00068%; no homozygotes.

Submissions (2):

Labcorp Genetics (formerly Invitae), Labcorp
Classification: Uncertain significance. Last evaluated: 2022-11-22. Review status: criteria provided, single submitter. Criteria: Invitae Variant Classification Sherloc (09022015). Collection method: clinical testing. Allele origin: germline.
Comment: This variant is not present in population databases (gnomAD no frequency). In summary, the available evidence is currently insufficient to determine the role of this variant in disease. Therefore, it has been classified as a Variant of Uncertain Significance. Algorithms developed to predict the effect of missense changes on protein structure and function (SIFT, PolyPhen-2, Align-GVGD) all suggest that this variant is likely to be tolerated. ClinVar contains an entry for this variant (Variation ID: 1357406). This variant has not been reported in the literature in individuals affected with DNAJC21-related conditions. This sequence change replaces glutamine, which is neutral and polar, with glutamic acid, which is acidic and polar, at codon 161 of the DNAJC21 protein (p.Gln161Glu).

Ambry Genetics
Classification: Uncertain significance for Inborn genetic diseases. Last evaluated: 2022-08-11. Review status: criteria provided, single submitter. Criteria: Ambry Variant Classification Scheme 2023. Collection method: clinical testing. Allele origin: germline.

NM_001012339.3(DNAJC21):c.481C>G (p.Gln161Glu)

Gene: DNAJC21 (DnaJ heat shock protein family (Hsp40) member C21; plus strand). Cytogenetic location: 5p13.2.
Variant type: single nucleotide variant.
Coding change: c.481C>G on transcript NM_001012339.3 (MANE Select); coding-DNA position 481, C replaced by G.
Protein change: p.Gln161Glu; replaces glutamine 161 with glutamic acid.
Molecular consequence: missense variant.
Genome position (GRCh38, 1-based): chr5:34,937,368, C>G. VCF-style: chr5-34937368-C-G. GRCh37 (hg19) VCF-style: chr5-34937473-C-G.
Other names: c.481C>G, p.Gln161Glu (NM_001348420.2, NM_194283.4); c.481C>G (NM_194283.3); short protein forms Q161E.
Identifiers: ClinVar variation 1357406 (VCV001357406.7), dbSNP rs1435100290, ClinGen allele CA359414334.